The following is an entry in ClinVar:

ClinVar aggregate classification (germline): Uncertain significance (1 of 4 stars; one submission).

Conditions:
H syndrome. Also called: FAISALABAD HISTIOCYTOSIS; Asrar Facharzt Haque syndrome; HISTIOCYTOSIS AND LYMPHADENOPATHY WITH OR WITHOUT CUTANEOUS, CARDIAC, AND/OR ENDOCRINE FEATURES, JOINT CONTRACTURES, AND/OR DEAFNESS; HYPERPIGMENTATION, CUTANEOUS, WITH HYPERTRICHOSIS, HEPATOSPLENOMEGALY, HEART ANOMALIES, AND HYPOGONADISM WITH OR WITHOUT HEARING LOSS; PIGMENTED HYPERTRICHOSIS WITH INSULIN-DEPENDENT DIABETES MELLITUS; Histiocytosis with joint contractures and sensorineural deafness. Identifiers: Orphanet 168569, MedGen C1864445, MONDO:0011273, OMIM 602782.

Submission:

Neuberg Centre For Genomic Medicine, NCGM
Classification: Uncertain significance for H syndrome. Review status: criteria provided, single submitter. Criteria: ACMG Guidelines, 2015. Collection method: clinical testing. Allele origin: germline. Inheritance: Autosomal recessive inheritance. Affected: yes.
Comment: The observed stop gain c.1090C>T(p.Gln364Ter) variant has not been reported previously as a pathogenic variant nor as a benign variant, to our knowledge. The c.1090C>T variant is absent in gnomAD Exomes database. This variant has not been submitted to the ClinVar database. The nucleotide change c.1090C>T in SLC29A3 is predicted as conserved by GERP++ and PhyloP across 100 vertebrates. Loss of function variants have been previously reported to be disease causing. However since this variant is present in the last exon, functional studies will be required to prove protein truncation. Hence the variant is classified as Variant of Uncertain Significance (VUS).

NM_018344.6(SLC29A3):c.1090C>T (p.Gln364Ter)

Gene: SLC29A3 (solute carrier family 29 member 3; plus strand). Cytogenetic location: 10q22.1.
Variant type: single nucleotide variant.
Coding change: c.1090C>T on transcript NM_018344.6 (MANE Select); coding-DNA position 1090, C replaced by T.
Protein change: p.Gln364Ter; replaces glutamine 364 with a stop codon.
Molecular consequence: nonsense. On other transcripts: 3 prime UTR variant (1), non-coding transcript variant (2).
Genome position (GRCh38, 1-based): chr10:71,362,270, C>T. VCF-style: chr10-71362270-C-T. GRCh37 (hg19) VCF-style: chr10-73122027-C-T.
Other names: c.*319C>T (NM_001174098.2); c.856C>T, p.Gln286Ter (NM_001363518.2); short protein forms Q286*, Q364*.
Identifiers: ClinVar variation 3242084 (VCV003242084.1), dbSNP rs2492505809.